The following is an entry in ClinVar:

NM_012120.3(CD2AP):c.730-66A>G

Gene: CD2AP (CD2 associated protein; plus strand). Cytogenetic location: 6p12.3.
Variant type: single nucleotide variant.
Coding change: c.730-66A>G on transcript NM_012120.3 (MANE Select); 66 bases into the intron before coding-DNA position 730, A replaced by G.
Molecular consequence: intron variant.
Genome position (GRCh38, 1-based): chr6:47,576,458, A>G. VCF-style: chr6-47576458-A-G. GRCh37 (hg19) VCF-style: chr6-47544194-A-G.
Identifiers: ClinVar variation 1683794 (VCV001683794.2), dbSNP rs141402367, ClinGen allele CA137941662.

ClinVar aggregate classification (germline): Likely benign (1 of 4 stars; one submission).

Allele frequency attached by ClinVar (database versions not stated): gnomAD exomes 0.00051; 1000 Genomes Project 0.00319; 1000 Genomes Project 30x 0.00359; gnomAD 0.00448 and 0.00474.
gnomAD v4.1: 1,171 of 1,076,962 alleles (0.11%); highest among the groups gnomAD compares: African/African-American, 1.6%; 10 homozygotes.

Submission:

GeneDx
Classification: Likely benign. Last evaluated: 2021-10-27. Review status: criteria provided, single submitter. Criteria: GeneDx Variant Classification Process June 2021. Collection method: clinical testing. Allele origin: germline. Affected: yes.
Comment: See Variant Classification Assertion Criteria.